The following is an entry in ClinVar:

NM_002473.6(MYH9):c.3054C>T (p.Leu1018=)

Gene: MYH9 (myosin heavy chain 9; minus strand). Cytogenetic location: 22q12.3.
Variant type: single nucleotide variant.
Coding change: c.3054C>T on transcript NM_002473.6 (MANE Select); coding-DNA position 3054, C replaced by T.
Protein change: p.Leu1018=; no amino-acid change (leucine 1018 retained).
Molecular consequence: synonymous variant.
Genome position (GRCh38, 1-based): chr22:36,298,965, G>A on the plus strand (C>T on the coding strand, the complement: MYH9 is on the minus strand). VCF-style: chr22-36298965-G-A. GRCh37 (hg19) VCF-style: chr22-36695011-G-A.
Other names: c.3054C>T (NM_002473.5).
Identifiers: ClinVar variation 1626701 (VCV001626701.10), dbSNP rs766890055, ClinGen allele CA10209773.

ClinVar aggregate classification (germline): Likely benign. Review status: criteria provided, single submitter (1 of 4 stars). 2 submissions from 2 submitters: Likely benign (1). 1 of the submissions does not count toward it. Last evaluated 2024-12-03.

Conditions:
MYH9-related disorder. Identifiers: MedGen C1854520.

Allele frequency attached by ClinVar (database versions not stated): gnomAD exomes 0.00005 and 0.00001; ExAC 0.00002; gnomAD 0.00003; TOPMed 0.00004.
gnomAD v4.1: 73 of 1,614,016 alleles (0.0045%); highest among the groups gnomAD compares: Non-Finnish European, 0.0059%; no homozygotes.

Submissions (2):

Labcorp Genetics (formerly Invitae), Labcorp
Classification: Likely benign. Last evaluated: 2024-12-03. Review status: criteria provided, single submitter. Criteria: Invitae Variant Classification Sherloc (09022015). Collection method: clinical testing. Allele origin: germline.

PreventionGenetics, part of Exact Sciences
Classification: Likely benign for MYH9-related condition. Last evaluated: 2023-01-11. Review status: no assertion criteria provided. Collection method: clinical testing. Allele origin: germline. Not counted in ClinVar's aggregate classification.
Comment: This variant is classified as likely benign based on ACMG/AMP sequence variant interpretation guidelines (Richards et al. 2015 PMID: 25741868, with internal and published modifications).